The following is an entry in ClinVar:

ClinVar aggregate classification (germline): Uncertain significance (1 of 4 stars; one submission).

Conditions:
Combined immunodeficiency due to ORAI1 deficiency. Also called: IMMUNODEFICIENCY 9. Identifiers: Orphanet 169090, Orphanet 317428, MedGen C2748568, MONDO:0013007, OMIM 612782.
Myopathy, tubular aggregate, 2 (TAM2). Identifiers: MedGen C4014557, MONDO:0014383, OMIM 615883.

Submission:

Labcorp Genetics (formerly Invitae), Labcorp
Classification: Uncertain significance for Myopathy, tubular aggregate, 2; Combined immunodeficiency due to ORAI1 deficiency. Last evaluated: 2025-04-07. Review status: criteria provided, single submitter. Criteria: Invitae Variant Classification Sherloc (09022015). Collection method: clinical testing. Allele origin: germline.
Comment: This sequence change replaces isoleucine, which is neutral and non-polar, with valine, which is neutral and non-polar, at codon 56 of the ORAI1 protein (p.Ile56Val). The frequency data for this variant in the population databases is considered unreliable, as metrics indicate poor data quality at this position in the gnomAD database. This variant has not been reported in the literature in individuals affected with ORAI1-related conditions. An algorithm developed to predict the effect of missense changes on protein structure and function outputs the following: PolyPhen-2: "Not Available". The valine amino acid residue is found in multiple mammalian species, which suggests that this missense change does not adversely affect protein function. In summary, the available evidence is currently insufficient to determine the role of this variant in disease. Therefore, it has been classified as a Variant of Uncertain Significance.

NC_000012.12:g.121626913A>G

Genes: ORAI1 (ORAI calcium release-activated calcium modulator 1; plus strand), LOC130008987 (ATAC-STARR-seq lymphoblastoid silent region 4981; plus strand). Cytogenetic location: 12q24.31.
Variant type: single nucleotide variant.
Molecular consequence: non-coding transcript variant (on NR_186857.1).
Genome position: GRCh38 VCF-style: chr12-121626913-A-G. GRCh37 (hg19) VCF-style: chr12-122064819-A-G.
Identifiers: ClinVar variation 4785086 (VCV004785086.1).